The following is an entry in ClinVar:

ClinVar aggregate classification (germline): Uncertain significance. Review status: criteria provided, multiple submitters, no conflicts (2 of 4 stars). 4 submissions from 4 submitters: Uncertain significance (4). Last evaluated 2026-05-27.

Conditions:
Epilepsy, idiopathic generalized, susceptibility to, 13. Also called: EPILEPSY, JUVENILE MYOCLONIC, SUSCEPTIBILITY TO, 5. Identifiers: Orphanet 307, Orphanet 64280, MedGen C4013473, MONDO:0012627, OMIM 611136.
Idiopathic generalized epilepsy. Also called: EIG; Generalised epilepsy. Identifiers: MedGen C0270850, MONDO:0005579, OMIM 600669.
Epilepsy, childhood absence 4 (ECA4). Also called: EPILEPSY, CHILDHOOD ABSENCE, SUSCEPTIBILITY TO, 4. Identifiers: Orphanet 307, MedGen C1970160.
Inborn genetic diseases. Identifiers: MedGen C0950123, MeSH D030342.

Submissions (4):

Women's Health and Genetics/Laboratory Corporation of America, LabCorp
Classification: Uncertain significance. Last evaluated: 2026-05-27. Review status: criteria provided, single submitter. Criteria: LabCorp Variant Classification Summary - May 2015. Collection method: clinical testing. Allele origin: germline.
Comment: Variant summary: GABRA1 c.281G>A (p.Arg94His) results in a non-conservative amino acid change in the encoded protein sequence. Algorithms developed to predict the effect of missense changes on protein structure and function all suggest that this variant is likely to be disruptive. The frequency data for this variant in gnomAD is considered unreliable, as metrics indicate poor data quality at this position. To our knowledge, no occurrence of c.281G>A in individuals affected with GABRA1-related conditions and no experimental evidence demonstrating its impact on protein function have been reported. ClinVar contains an entry for this variant (Variation ID: 1796428). Based on the evidence outlined above, the variant was classified as uncertain significance.

Ambry Genetics
Classification: Uncertain significance for Inborn genetic diseases. Last evaluated: 2025-10-22. Review status: criteria provided, single submitter. Criteria: Ambry Variant Classification Scheme 2023. Collection method: clinical testing. Allele origin: germline.
Comment: The c.281G>A (p.R94H) alteration is located in exon 6 (coding exon 4) of the GABRA1 gene. This alteration results from a G to A substitution at nucleotide position 281, causing the arginine (R) at amino acid position 94 to be replaced by a histidine (H). Based on data from gnomAD, the A allele has an overall frequency of <0.001% (0/250794) total alleles studied. The highest observed frequency was <0.001% (/) of alleles. Based on insufficient or conflicting evidence, the clinical significance of this alteration remains unclear.

Labcorp Genetics (formerly Invitae), Labcorp
Classification: Uncertain significance for Epilepsy, childhood absence 4; Epilepsy, idiopathic generalized, susceptibility to, 13; Idiopathic generalized epilepsy. Last evaluated: 2025-03-20. Review status: criteria provided, single submitter. Criteria: Invitae Variant Classification Sherloc (09022015). Collection method: clinical testing. Allele origin: germline.
Comment: This sequence change replaces arginine, which is basic and polar, with histidine, which is basic and polar, at codon 94 of the GABRA1 protein (p.Arg94His). This variant is not present in population databases (gnomAD no frequency). This variant has not been reported in the literature in individuals affected with GABRA1-related conditions. ClinVar contains an entry for this variant (Variation ID: 1796428). Invitae Evidence Modeling of protein sequence and biophysical properties (such as structural, functional, and spatial information, amino acid conservation, physicochemical variation, residue mobility, and thermodynamic stability) indicates that this missense variant is expected to disrupt GABRA1 protein function with a positive predictive value of 80%. In summary, the available evidence is currently insufficient to determine the role of this variant in disease. Therefore, it has been classified as a Variant of Uncertain Significance.

CeGaT Center for Human Genetics Tuebingen
Classification: Uncertain significance. Last evaluated: 2023-09-01. Review status: criteria provided, single submitter. Criteria: CeGaT Center For Human Genetics Tuebingen Variant Classification Criteria Version 2. Collection method: clinical testing. Allele origin: germline. Affected: yes. Observed: 1 variant allele.
Comment: GABRA1: PM2, PP2, PP3

NM_001127644.2(GABRA1):c.281G>A (p.Arg94His)

Gene: GABRA1 (gamma-aminobutyric acid type A receptor subunit alpha1; plus strand). Cytogenetic location: 5q34.
Variant type: single nucleotide variant.
Coding change: c.281G>A on transcript NM_001127644.2 (MANE Select); coding-DNA position 281, G replaced by A.
Protein change: p.Arg94His; replaces arginine 94 with histidine.
Molecular consequence: missense variant.
Genome position (GRCh38, 1-based): chr5:161,873,142, G>A. VCF-style: chr5-161873142-G-A. GRCh37 (hg19) VCF-style: chr5-161300148-G-A.
Other names: c.281G>A, p.Arg94His (NM_000806.5, NM_001127643.2, NM_001127645.2 and 1 more transcripts); short protein forms R94H.
Identifiers: ClinVar variation 1796428 (VCV001796428.31), dbSNP rs1164973274, ClinGen allele CA362178715.